The following is an entry in ClinVar:

NM_004183.4(BEST1):c.295A>T (p.Asn99Tyr)

Gene: BEST1 (bestrophin 1; plus strand). Cytogenetic location: 11q12.3.
Variant type: single nucleotide variant.
Coding change: c.295A>T on transcript NM_004183.4 (MANE Select); coding-DNA position 295, A replaced by T.
Protein change: p.Asn99Tyr; replaces asparagine 99 with tyrosine.
Molecular consequence: missense variant. On other transcripts: non-coding transcript variant (1).
Genome position (GRCh38, 1-based): chr11:61,955,765, A>T. VCF-style: chr11-61955765-A-T. GRCh37 (hg19) VCF-style: chr11-61723237-A-T.
Other names: c.115A>T, p.Asn39Tyr (NM_001139443.3, NM_001300786.2, NM_001300787.2); c.-24A>T (NM_001363591.3); c.295A>T, p.Asn99Tyr (NM_001363592.2); c.-881A>T (NM_001363593.3); short protein forms N99Y, N39Y.
Identifiers: ClinVar variation 2735626 (VCV002735626.3), dbSNP rs1591283811, ClinGen allele CA380834137.

ClinVar aggregate classification (germline): Pathogenic (1 of 4 stars; one submission).

Submission:

Labcorp Genetics (formerly Invitae), Labcorp
Classification: Pathogenic. Last evaluated: 2024-04-22. Review status: criteria provided, single submitter. Criteria: Invitae Variant Classification Sherloc (09022015). Collection method: clinical testing. Allele origin: germline.
Comment: This sequence change replaces asparagine, which is neutral and polar, with tyrosine, which is neutral and polar, at codon 99 of the BEST1 protein (p.Asn99Tyr). This variant is not present in population databases (gnomAD no frequency). This missense change has been observed in individuals with autosomal dominant Best vitelliform macular dystrophy (PMID: 21109774, 32239196). Advanced modeling of protein sequence and biophysical properties (such as structural, functional, and spatial information, amino acid conservation, physicochemical variation, residue mobility, and thermodynamic stability) performed at Invitae indicates that this missense variant is expected to disrupt BEST1 protein function with a positive predictive value of 95%. This variant disrupts the p.Asn99 amino acid residue in BEST1. Other variant(s) that disrupt this residue have been determined to be pathogenic (PMID: 10854112, 11904445, 16612637; Invitae). This suggests that this residue is clinically significant, and that variants that disrupt this residue are likely to be disease-causing. For these reasons, this variant has been classified as Pathogenic.

Literature cited by the submitters: PubMed 21109774; PubMed 32239196; PubMed 10854112; PubMed 11904445; PubMed 16612637.